The following is an entry in ClinVar:

NM_017780.4(CHD7):c.2568del (p.Lys857fs)

Gene: CHD7 (chromodomain helicase DNA binding protein 7; plus strand). Cytogenetic location: 8q12.2.
Variant type: Deletion.
Coding change: c.2568del on transcript NM_017780.4 (MANE Select); coding-DNA position 2568, one base deleted (T; older notation c.2568delT).
Protein change: p.Lys857fs; shifts the reading frame from lysine 857.
Molecular consequence: frameshift variant. On other transcripts: intron variant (1).
Genome position (GRCh38, 1-based): chr8:60,816,456, T deleted; the last of 2 consecutive T bases (chr8:60,816,455-60,816,456); deleting either gives the same sequence. VCF-style (leftmost placement, unchanged base first): chr8-60816454-AT-A. GRCh37 (hg19) VCF-style: chr8-61729013-AT-A.
Other names: c.1716+35406del (NM_001316690.1); short protein forms K857fs.
Identifiers: ClinVar variation 411180 (VCV000411180.8), dbSNP rs1060503181, ClinGen allele CA16612638.
Genomic context (GRCh38, chr8:60,816,454, plus strand): 5'-CTTCATTGTCAGTGGGCATCTATAGAAGATCTGGAAAAAGATAAGAGAATTCAGCAAAAA[AT>A]TAAACGATTTAAGGCAAAGCAGGGCCAGAACAAGTTCCTTTCAGAGGTACGACATACCTG-3'

ClinVar aggregate classification (germline): Pathogenic (1 of 4 stars; one submission).

Conditions:
CHARGE syndrome (CHARGE). Also called: CHARGE ASSOCIATION--COLOBOMA, HEART ANOMALY, CHOANAL ATRESIA, RETARDATION, GENITAL AND EAR ANOMALIES; Coloboma, heart anomaly, choanal atresia, retardation, genital and ear anomalies; CHARGE association; Hall-Hittner syndrome; Hittner Hirsch Kreh syndrome. Identifiers: Orphanet 138, MedGen C0265354, MONDO:0008965.

Submission:

Labcorp Genetics (formerly Invitae), Labcorp
Classification: Pathogenic for CHARGE syndrome. Last evaluated: 2016-06-17. Review status: criteria provided, single submitter. Criteria: Invitae Variant Classification Sherloc (09022015). Collection method: clinical testing. Allele origin: germline.
Comment: This sequence change deletes 1 nucleotide from exon 8 of the CHD7 mRNA (c.2568delT), causing a frameshift at codon 857. This creates a premature translational stop signal (p.Lys857Asnfs*31) and is expected to result in an absent or disrupted protein product. While this particular variant has not been reported in the literature, truncating variants in CHD7 are known to be pathogenic (PMID: 16400610, 22461308). For these reasons, this variant has been classified as Pathogenic.

Literature cited by the submitters: PubMed 16400610; PubMed 22461308.